The following is an entry in ClinVar:

NM_000400.4(ERCC2):c.950-3C>G

Gene: ERCC2 (ERCC excision repair 2, TFIIH core complex helicase subunit; minus strand). Cytogenetic location: 19q13.32.
Variant type: single nucleotide variant.
Coding change: c.950-3C>G on transcript NM_000400.4 (MANE Select); 3 bases into the intron before coding-DNA position 950, C replaced by G.
Molecular consequence: intron variant.
Genome position (GRCh38, 1-based): chr19:45,363,914, G>C on the plus strand (C>G on the coding strand, the complement: ERCC2 is on the minus strand). VCF-style: chr19-45363914-G-C. GRCh37 (hg19) VCF-style: chr19-45867172-G-C.
Other names: c.827-3C>G (NM_001440357.1); c.872-3C>G (NM_001440356.1); c.878-3C>G (NM_001440355.1, NM_001130867.2).
Identifiers: ClinVar variation 4536124 (VCV004536124.1).
Genomic context (GRCh38, chr19:45,363,914, plus strand): 5'-AGCCGCCTCAGGAAGCCCAGGAAATGCTCGGCCGTGCGGATGGAGCCAGGCACTGCCTCT[G>C]CGAGGAGACGCTATCAGCGGCGACGGGGAGGCGGGAAAGGGACTGGGGGGCAGCGGGGGG-3'

ClinVar aggregate classification (germline): Uncertain significance (1 of 4 stars; one submission).

Submission:

Women's Health and Genetics/Laboratory Corporation of America, LabCorp
Classification: Uncertain significance. Last evaluated: 2025-09-18. Review status: criteria provided, single submitter. Criteria: LabCorp Variant Classification Summary - May 2015. Collection method: clinical testing. Allele origin: germline.
Comment: Variant summary: ERCC2 c.950-3C>G alters a nucleotide located close to a canonical splice site and therefore could affect mRNA splicing, leading to a significantly altered protein sequence. Several computational tools predict a significant impact on normal splicing: three predict the variant abolishes the 3' acceptor site, while one predicts the variant weakens the 3' acceptor site. However, these predictions have yet to be confirmed by functional studies. The frequency data for this variant in gnomAD is considered unreliable, as metrics indicate poor data quality at this position. To our knowledge, no occurrence of c.950-3C>G in individuals affected with ERCC2-related conditions and no experimental evidence demonstrating its impact on protein function have been reported. No submitters have cited clinical-significance assessments for this variant to ClinVar. A different variant which also results in a loss of a pyrimidine at the -3 position has been classified as likely pathogenic by our lab (c.950-3C>A; Variation ID: 2736909). Based on the evidence outlined above, the variant was classified as VUS-possibly pathogenic.